The following is an entry in ClinVar:

ClinVar aggregate classification (germline): Likely pathogenic (1 of 4 stars; one submission).

Conditions:
Epiphyseal dysplasia, multiple, 3 (EDM3). Also called: Epiphyseal dysplasia, multiple, 3, with or without myopathy; COL9A3-Related Multiple Epiphyseal Dysplasia. Identifiers: MedGen C1832998, MONDO:0010964, OMIM 600969.

Submission:

3billion
Classification: Likely pathogenic for Epiphyseal dysplasia, multiple, 3. Last evaluated: 2022-09-01. Review status: criteria provided, single submitter. Criteria: ACMG Guidelines, 2015. Collection method: clinical testing. Allele origin: germline. Affected: yes. Observed: 1 heterozygote.
Comment: The variant is not observed in the gnomAD v2.1.1 dataset. Stop-gained (nonsense) is predicted to result in a loss or disruption of normal protein function through nonsense-mediated decay (NMD) or protein truncation. Multiple pathogenic variants are reported downstream of the variant. Therefore, this variant is classified as Likely pathogenic according to the recommendation of ACMG/AMP guideline.

NM_001853.4(COL9A3):c.433G>T (p.Gly145Ter)

Gene: COL9A3 (collagen type IX alpha 3 chain; plus strand). Cytogenetic location: 20q13.33.
Variant type: single nucleotide variant.
Coding change: c.433G>T on transcript NM_001853.4 (MANE Select); coding-DNA position 433, G replaced by T.
Protein change: p.Gly145Ter; replaces glycine 145 with a stop codon.
Molecular consequence: nonsense.
Genome position (GRCh38, 1-based): chr20:62,822,120, G>T. VCF-style: chr20-62822120-G-T. GRCh37 (hg19) VCF-style: chr20-61453472-G-T.
Other names: short protein forms G145*.
Identifiers: ClinVar variation 1705545 (VCV001705545.1), dbSNP rs2516030998, ClinGen allele CA409589261.